The following is an entry in ClinVar:

ClinVar aggregate classification (germline): Pathogenic (1 of 4 stars; one submission).

Conditions:
Microcephaly, normal intelligence and immunodeficiency (NBS). Also called: SEEMANOVA SYNDROME II; Immunodeficiency, microcephaly with normal intelligence; Nijmegen breakage syndrome; Microcephaly with normal intelligence immunodeficiency and lymphoreticular malignancies; Nonsyndromal microcephaly autosomal recessive with normal intelligence; Seemanova syndrome 2. Identifiers: Orphanet 647, MedGen C0398791, MONDO:0009623, OMIM 251260.

Submission:

Labcorp Genetics (formerly Invitae), Labcorp
Classification: Pathogenic for Microcephaly, normal intelligence and immunodeficiency. Last evaluated: 2025-02-02. Review status: criteria provided, single submitter. Criteria: Invitae Variant Classification Sherloc (09022015). Collection method: clinical testing. Allele origin: germline.
Comment: This sequence change creates a premature translational stop signal (p.Glu561*) in the NBN gene. It is expected to result in an absent or disrupted protein product. Loss-of-function variants in NBN are known to be pathogenic (PMID: 9590180, 16415040). This variant is not present in population databases (gnomAD no frequency). This variant has not been reported in the literature in individuals affected with NBN-related conditions. For these reasons, this variant has been classified as Pathogenic.

Literature cited by the submitters: PubMed 9590180; PubMed 16415040.

NM_002485.5(NBN):c.1681G>T (p.Glu561Ter)

Gene: NBN (nibrin; minus strand). Cytogenetic location: 8q21.3.
Variant type: single nucleotide variant.
Coding change: c.1681G>T on transcript NM_002485.5 (MANE Select); coding-DNA position 1681, G replaced by T.
Protein change: p.Glu561Ter; replaces glutamic acid 561 with a stop codon.
Molecular consequence: nonsense.
Genome position (GRCh38, 1-based): chr8:89,953,408, C>A on the plus strand (G>T on the coding strand, the complement: NBN is on the minus strand). VCF-style: chr8-89953408-C-A. GRCh37 (hg19) VCF-style: chr8-90965636-C-A.
Other names: c.1435G>T, p.Glu479Ter (NM_001024688.3, NM_001440379.1, NM_001440380.1); short protein forms E479*, E561*.
Identifiers: ClinVar variation 4712138 (VCV004712138.1).